The following is an entry in ClinVar:

NC_000019.9:g.(?_852323)_(1226652_?)del

Genes: ARID3A (AT-rich interaction domain 3A; plus strand), CFD (complement factor D; plus strand), CNN2 (calponin 2; plus strand), POLR2E (RNA polymerase II, I and III subunit E; minus strand), R3HDM4 (R3H domain containing 4; minus strand) and 11 more. Cytogenetic location: 19p13.3.
Variant type: Deletion.
Identifiers: ClinVar variation 584004 (VCV000584004.1).

ClinVar aggregate classification (germline): Pathogenic (1 of 4 stars; one submission).

Conditions:
Peutz-Jeghers syndrome (PJS). Also called: POLYPOSIS, HAMARTOMATOUS INTESTINAL; POLYPS-AND-SPOTS SYNDROME; Peutz-Jeghers polyposis; Periorificial lentiginosis syndrome. Identifiers: Orphanet 2869, MedGen C0031269, MeSH D010580, MONDO:0008280, OMIM 175200.

Submission:

Labcorp Genetics (formerly Invitae), Labcorp
Classification: Pathogenic for Peutz-Jeghers syndrome. Last evaluated: 2018-01-23. Review status: criteria provided, single submitter. Criteria: Invitae Variant Classification Sherloc (09022015). Collection method: clinical testing. Allele origin: germline.
Comment: A gross deletion of the genomic region encompassing the full coding sequence of the STK11 gene has been identified. The boundaries of this event are unknown as the deletion extends beyond the assayed region for this gene and therefore may encompass additional genes. Large deletions involving the STK11 gene are known to be pathogenic and account for about 30% of the Peutzâ€šÃ„Ã¬Jeghers syndrome (PJS) cases (PMID: 20623358). Whole gene deletions of STK11 have been reported in several individuals affected with PJS (PMID: 23399955, 17924967, 16287113, 22382802, 16648371, Invitae database). For these reasons, this variant has been classified as Pathogenic.

Literature cited by the submitters: PubMed 23399955; PubMed 22382802; PubMed 16648371; PubMed 20623358; PubMed 17924967; PubMed 16287113.